The following is an entry in ClinVar:

ClinVar aggregate classification (germline): Uncertain significance. Review status: criteria provided, multiple submitters, no conflicts (2 of 4 stars). 2 submissions from 2 submitters: Uncertain significance (2). Last evaluated 2026-05-08.

Conditions:
Van Maldergem syndrome 1 (VMLDS1). Also called: Van Maldergem syndrome 1 (VMLDS1). Identifiers: Orphanet 314679, MedGen C4551950, MONDO:0011070, OMIM 601390.

gnomAD v4.1: 7 of 1,613,496 alleles (0.00043%); highest among the groups gnomAD compares: East Asian, 0.0022%; no homozygotes.

Submissions (2):

Clinical Genomics Laboratory, Washington University in St. Louis
Classification: Uncertain significance for Van Maldergem syndrome 1. Last evaluated: 2026-05-08. Review status: criteria provided, single submitter. Criteria: ACMG Guidelines, 2015. Collection method: clinical testing. Allele origin: germline.
Comment: A DCHS1 c.6709C>T (p.Arg2237Cys) variant was identified at a near heterozygous allelic fraction of 47.8%, a frequency that may be consistent with germline origin. This variant, to our knowledge, has not been reported in the medical literature but has been reported in the ClinVar database as a germline variant of uncertain significance by one submitter (Variation ID: 4754256). It is only observed on 7/1,613,496 alleles in the general population (gnomAD v4.1.1), indicating it is not a common variant. Computational predictors are uncertain as to the impact of this variant on DCHS1 function. Due to limited information, and based on ACMG/AMP guidelines for variant interpretation (Richards S et al., PMID: 25741868), the clinical significance of this variant is uncertain at this time.

Labcorp Genetics (formerly Invitae), Labcorp
Classification: Uncertain significance. Last evaluated: 2025-11-01. Review status: criteria provided, single submitter. Criteria: Invitae Variant Classification Sherloc (09022015). Collection method: clinical testing. Allele origin: germline.
Comment: This sequence change replaces arginine, which is basic and polar, with cysteine, which is neutral and slightly polar, at codon 2237 of the DCHS1 protein (p.Arg2237Cys). This variant is present in population databases (rs755717552, gnomAD 0.003%). This variant has not been reported in the literature in individuals affected with DCHS1-related conditions. Invitae Evidence Modeling of protein sequence and biophysical properties (such as structural, functional, and spatial information, amino acid conservation, physicochemical variation, residue mobility, and thermodynamic stability) indicates that this missense variant is not expected to disrupt DCHS1 protein function with a negative predictive value of 80%. In summary, the available evidence is currently insufficient to determine the role of this variant in disease. Therefore, it has been classified as a Variant of Uncertain Significance.

NM_003737.4(DCHS1):c.6709C>T (p.Arg2237Cys)

Gene: DCHS1 (dachsous cadherin-related 1; minus strand). Cytogenetic location: 11p15.4.
Variant type: single nucleotide variant.
Coding change: c.6709C>T on transcript NM_003737.4 (MANE Select); coding-DNA position 6709, C replaced by T.
Protein change: p.Arg2237Cys; replaces arginine 2237 with cysteine.
Molecular consequence: missense variant.
Genome position (GRCh38, 1-based): chr11:6,625,942, G>A on the plus strand (C>T on the coding strand, the complement: DCHS1 is on the minus strand). VCF-style: chr11-6625942-G-A. GRCh37 (hg19) VCF-style: chr11-6647173-G-A.
Other names: short protein forms R2237C.
Identifiers: ClinVar variation 4754256 (VCV004754256.2).
Genomic context (GRCh38, chr11:6,625,942, plus strand): 5'-CCAAGATGGGGTCTTGGGTCCACAGGGCCAGGCCTCACCGTGTTTCAGCCCAGATCTCAC[G>A]GTCCAGGATGGCTGTGGTAGTGATAGTGCCTGTGGTTGGGTCTACGTGGAACAATCCACG-3'
Protein context (NP_003728.1, residues 2227-2247): GTITTTAILD[Arg2237Cys]EIWAETRLVL